The following is an entry in ClinVar:

NM_152564.5(VPS13B):c.6058T>A (p.Leu2020Met)

Gene: VPS13B (vacuolar protein sorting 13 homolog B; plus strand). Cytogenetic location: 8q22.2.
Variant type: single nucleotide variant.
Coding change: c.6058T>A on transcript NM_152564.5 (MANE Select); coding-DNA position 6058, T replaced by A.
Protein change: p.Leu2020Met; replaces leucine 2020 with methionine.
Molecular consequence: missense variant.
Genome position (GRCh38, 1-based): chr8:99,699,536, T>A. VCF-style: chr8-99699536-T-A. GRCh37 (hg19) VCF-style: chr8-100711764-T-A.
Other names: c.6133T>A, p.Leu2045Met (NM_017890.5); short protein forms L2020M, L2045M.
Identifiers: ClinVar variation 5002374 (VCV005002374.1).

ClinVar aggregate classification (germline): Uncertain significance (1 of 4 stars; one submission).

Conditions:
VPS13B-related disorder. Also called: VPS13B-related condition.

gnomAD v4.1: 1 of 1,613,640 alleles (0.000062%); highest among the groups gnomAD compares: Non-Finnish European, 0.000085%; no homozygotes.

Submission:

PreventionGenetics, part of Exact Sciences
Classification: Uncertain significance for VPS13B-related condition. Last evaluated: 2025-02-15. Review status: criteria provided, single submitter. Criteria: ACMG Guidelines, 2015. Collection method: clinical testing. Allele origin: germline.
Comment: The VPS13B c.6058T>A variant is predicted to result in the amino acid substitution p.Leu2020Met. To our knowledge, this variant has not been reported in the literature or in a large population database (gnomAD), indicating this variant is rare. At this time, the clinical significance of this variant is uncertain due to the absence of conclusive functional and genetic evidence.